The following is an entry in ClinVar:

NM_080916.3(DGUOK):c.173_176del (p.Leu58fs)

Gene: DGUOK (deoxyguanosine kinase; plus strand). Cytogenetic location: 2p13.1.
Variant type: Deletion.
Coding change: c.173_176del on transcript NM_080916.3 (MANE Select); coding-DNA positions 173 to 176, 4 bases deleted (TCAC; older notation c.173_176delTCAC).
Protein change: p.Leu58fs; shifts the reading frame from leucine 58.
Molecular consequence: frameshift variant. On other transcripts: intron variant (4).
Genome position (GRCh38, 1-based): chr2:73,938,940-73,938,943, TCAC deleted; deleting any 4 consecutive bases within chr2:73,938,938-73,938,943 gives the same sequence; the c. name uses the placement nearest the transcript's 3' end. VCF-style (leftmost placement, unchanged base first): chr2-73938937-TACTC-T. GRCh37 (hg19) VCF-style: chr2-74166064-TACTC-T.
Other names: c.173_176del, p.Leu58fs (NM_001318859.2, NM_080918.3); c.-37+6257_-37+6260del (NM_001318861.2, NM_001318862.2); c.-36-7779_-36-7776del (NM_001318860.2, NM_001318863.2); short protein forms L58fs.
Identifiers: ClinVar variation 2572386 (VCV002572386.1), dbSNP rs2466997899, ClinGen allele CA2580612953.

ClinVar aggregate classification (germline): Pathogenic (1 of 4 stars; one submission).

Conditions:
Mitochondrial DNA depletion syndrome 3 (hepatocerebral type). Also called: MITOCHONDRIAL DNA DEPLETION SYNDROME 3; Mitochondrial DNA depletion syndrome, hepatocerebral form due to DGUOK deficiency; Deoxyguanosine Kinase Deficiency. Identifiers: Orphanet 279934, MedGen CN074093, MONDO:0009636, OMIM 251880.

Submission:

3billion
Classification: Pathogenic for Mitochondrial DNA depletion syndrome 3 (hepatocerebral type). Review status: criteria provided, single submitter. Criteria: ACMG Guidelines, 2015. Collection method: clinical testing. Allele origin: unknown. Affected: yes. Observed: 1 homozygote.
Comment: The variant is not observed in the gnomAD v2.1.1 dataset. The variant is predicted to result in a loss or disruption of normal protein function through nonsense-mediated decay (NMD) or protein truncation. Multiple pathogenic variants are reported downstream of the variant. Therefore, this variant is classified as Pathogenic according to the recommendation of ACMG/AMP guideline.